The following is an entry in ClinVar:

NM_001267550.2(TTN):c.88307-15C>T

Genes: TTN-AS1 (TTN antisense RNA 1; plus strand), TTN (titin; minus strand). Cytogenetic location: 2q31.2.
Variant type: single nucleotide variant.
Coding change: c.88307-15C>T on transcript NM_001267550.2 (MANE Select); 15 bases into the intron before coding-DNA position 88307, C replaced by T.
Molecular consequence: intron variant.
Genome position (GRCh38, 1-based): chr2:178,555,167, G>A on the plus strand (C>T on the coding strand, the complement: TTN is on the minus strand). VCF-style: chr2-178555167-G-A. GRCh37 (hg19) VCF-style: chr2-179419894-G-A.
Other names: c.61112-15C>T (NM_003319.4); c.61688-15C>T (NM_133437.4); c.61487-15C>T (NM_133432.3); c.80603-15C>T (NM_133378.4); c.83384-15C>T (NM_001256850.1).
Identifiers: ClinVar variation 180042 (VCV000180042.13), dbSNP rs727505307, ClinGen allele CA185696.
Genomic context (GRCh38, chr2:178,555,167, plus strand): 5'-TTGACAACTTCTGTATATTCTAGAGGCAAATCAATTACAGGACCACCTGCAAGAAAAACA[G>A]ATGAGAAATATTTAAAATATTATAAGGATGGAAAAAAAAATAGTTGCACCAACCTTAAAG-3'

ClinVar aggregate classification (germline): Likely benign. Review status: criteria provided, multiple submitters, no conflicts (2 of 4 stars). 3 submissions from 3 submitters: Likely benign (3). Last evaluated 2025-12-16.

Conditions:
Dilated cardiomyopathy 1G (CMD1G). Identifiers: Orphanet 154, MedGen C1858763, MONDO:0011400, OMIM 604145.
Autosomal recessive limb-girdle muscular dystrophy type 2J (LGMDR10). Also called: Limb-girdle muscular dystrophy, type 2J; MUSCULAR DYSTROPHY, LIMB-GIRDLE, AUTOSOMAL RECESSIVE 10. Identifiers: Orphanet 140922, MedGen C1837342, MONDO:0012127, OMIM 608807.

Allele frequency attached by ClinVar (database versions not stated): ExAC 0.00003; gnomAD exomes 0.00003 and 0.00004; gnomAD 0.00001; TOPMed 0.00001.
gnomAD v4.1: 61 of 1,590,968 alleles (0.0038%); highest among the groups gnomAD compares: Middle Eastern, 0.017%; no homozygotes.

Submissions (3):

Labcorp Genetics (formerly Invitae), Labcorp
Classification: Likely benign for Dilated cardiomyopathy 1G; Autosomal recessive limb-girdle muscular dystrophy type 2J. Last evaluated: 2025-12-16. Review status: criteria provided, single submitter. Criteria: Invitae Variant Classification Sherloc (09022015). Collection method: clinical testing. Allele origin: germline.

GeneDx
Classification: Likely benign. Last evaluated: 2018-02-01. Review status: criteria provided, single submitter. Criteria: GeneDx Variant Classification (06012015). Collection method: clinical testing. Allele origin: germline. Affected: yes.
Comment: This variant is considered likely benign or benign based on one or more of the following criteria: it is a conservative change, it occurs at a poorly conserved position in the protein, it is predicted to be benign by multiple in silico algorithms, and/or has population frequency not consistent with disease.

Laboratory for Molecular Medicine, Mass General Brigham Personalized Medicine
Classification: Likely benign. Last evaluated: 2014-09-29. Review status: criteria provided, single submitter. Criteria: LMM Criteria. Collection method: clinical testing. Allele origin: germline. Observed: 1 variant allele.
Comment: 80603-15C>T in intron 279 of TTN: This variant is not expected to have clinical significance because a C>T change at this position does not diverge from the spl ice consensus sequence and is therefore unlikely to impact splicing.